The following is an entry in ClinVar:

ClinVar aggregate classification (germline): Uncertain significance (1 of 4 stars; one submission).

Submission:

GeneDx
Classification: Uncertain significance. Last evaluated: 2019-06-19. Review status: criteria provided, single submitter. Criteria: GeneDx Variant Classification Process June 2021. Collection method: clinical testing. Allele origin: germline. Affected: yes.
Comment: Not observed in large population cohorts (Lek et al., 2016); In silico analysis, which includes protein predictors and evolutionary conservation, supports a deleterious effect; In silico analysis, which includes splice predictors and evolutionary conservation, suggests this variant may impact gene splicing. In the absence of RNA/functional studies, the actual effect of this sequence change is unknown.; Has not been previously published as pathogenic or benign to our knowledge

NM_138691.3(TMC1):c.916G>A (p.Gly306Arg)

Gene: TMC1 (transmembrane channel like 1; plus strand). Cytogenetic location: 9q21.13.
Variant type: single nucleotide variant.
Coding change: c.916G>A on transcript NM_138691.3 (MANE Select); coding-DNA position 916, G replaced by A.
Protein change: p.Gly306Arg; replaces glycine 306 with arginine.
Molecular consequence: missense variant.
Genome position (GRCh38, 1-based): chr9:72,788,370, G>A. VCF-style: chr9-72788370-G-A. GRCh37 (hg19) VCF-style: chr9-75403286-G-A.
Other names: short protein forms G306R.
Identifiers: ClinVar variation 1306546 (VCV001306546.2), dbSNP rs2118177925, ClinGen allele CA373504360.
Genomic context (GRCh38, chr9:72,788,370, plus strand): 5'-CTGCTGGGTTAAACTTCCTGTTTTTGCAGAATGACCAAAAACATTGGTGATGATGGAGGT[G>A]GAGATGACAACACTTTCAATTTCAGCTGGAAGGTCTTTACCAGCTGGGACTACCTGATCG-3'
Protein context (NP_619636.2, residues 296-316): MTKNIGDDGG[Gly306Arg]DDNTFNFSWK